The following is an entry in ClinVar:

NM_018972.4(GDAP1):c.308A>T (p.Asp103Val)

Gene: GDAP1 (ganglioside induced differentiation associated protein 1; plus strand). Cytogenetic location: 8q21.11.
Variant type: single nucleotide variant.
Coding change: c.308A>T on transcript NM_018972.4 (MANE Select); coding-DNA position 308, A replaced by T.
Protein change: p.Asp103Val; replaces aspartic acid 103 with valine.
Molecular consequence: missense variant. On other transcripts: intron variant (2).
Genome position (GRCh38, 1-based): chr8:74,351,464, A>T. VCF-style: chr8-74351464-A-T. GRCh37 (hg19) VCF-style: chr8-75263699-A-T.
Other names: c.104A>T, p.Asp35Val (NM_001040875.4); c.308A>T, p.Asp103Val (NM_001362930.2, NM_001362931.2); c.-18+143A>T (NM_001362929.2); c.-18+886A>T (NM_001362932.2); short protein forms D103V, D35V.
Identifiers: ClinVar variation 418230 (VCV000418230.2), dbSNP rs1064793135, ClinGen allele CA16618693.

ClinVar aggregate classification (germline): Likely pathogenic (1 of 4 stars; one submission).

gnomAD v4.1: 1 of 1,609,552 alleles (0.000062%); no homozygotes.

Submission:

GeneDx
Classification: Likely pathogenic. Last evaluated: 2014-06-16. Review status: criteria provided, single submitter. Criteria: GeneDx Variant Classification (06012015). Collection method: clinical testing. Allele origin: germline. Affected: yes.
Comment: The c.308 A>T variant has not been published as pathogenic variant, nor has it been reported as a benign polymorphism to our knowledge. It was not observed in approximately 6,500 individuals of European and African American ancestry in an external variant database, indicating it is not a common benign variant in these populations. Multiple in silico algorithms predict that c.308 A>T destroys the natural splice donor site in intron 2, leading to abnormal gene splicing. However, in the absense of RNA/functional studies, the actual effect of the c.308 A>T sequence change in this individual is unknown. If c.308 A>T does not alter splicing, it will result in the D103V missense change. The D103V variant is a non-conservative amino acid substitution, which is likely to impact secondary protein structure as these residues differ in polarity, charge, size and/or other properties. This substitution occurs at a position that is conserved in mammals. In silico analysis predicts this variant is probably damaging to the protein structure/function. Therefore, this is a strong candidate for a pathogenic variant, however the possibility that it is a benign variant cannot be excluded.